The following is an entry in ClinVar:

NM_003172.4(SURF1):c.790A>G (p.Arg264Gly)

Gene: SURF1 (SURF1 cytochrome c oxidase assembly factor; minus strand). Cytogenetic location: 9q34.2.
Variant type: single nucleotide variant.
Coding change: c.790A>G on transcript NM_003172.4 (MANE Select); coding-DNA position 790, A replaced by G.
Protein change: p.Arg264Gly; replaces arginine 264 with glycine.
Molecular consequence: missense variant.
Genome position (GRCh38, 1-based): chr9:133,352,104, T>C on the plus strand (A>G on the coding strand, the complement: SURF1 is on the minus strand). VCF-style: chr9-133352104-T-C. GRCh37 (hg19) VCF-style: chr9-136218959-T-C.
Other names: p.Arg264Gly; c.463A>G, p.Arg155Gly (NM_001280787.1); short protein forms R155G, R264G.
Identifiers: ClinVar variation 2395156 (VCV002395156.3), dbSNP rs1416690474, ClinGen allele CA375693511.
Genomic context (GRCh38, chr9:133,352,104, plus strand): 5'-GGCCGCTGGGGACTCACCAGGTCACGATGTACTGCAGATGCTCGTTCCTCAGAGTAACTC[T>C]GGTTTGCCCTCCAATGGGTCCTCCAGGGACTGTGCTCTCTGTGGAGACAGCAGACTCAAG-3'
Protein context (NP_003163.1, residues 254-274): VPGGPIGGQT[Arg264Gly]VTLRNEHLQY

ClinVar aggregate classification (germline): Uncertain significance. Review status: criteria provided, multiple submitters, no conflicts (2 of 4 stars). 2 submissions from 2 submitters: Uncertain significance (2). Last evaluated 2023-01-25.

Conditions:
Inborn genetic diseases. Identifiers: MedGen C0950123, MeSH D030342.

Allele frequency attached by ClinVar (database versions not stated): gnomAD exomes below 0.00001; TOPMed 0.00002; gnomAD 0.00003.

Submissions (2):

Mayo Clinic Laboratories, Mayo Clinic
Classification: Uncertain significance. Last evaluated: 2023-01-25. Review status: criteria provided, single submitter. Criteria: ACMG Guidelines, 2015. Collection method: clinical testing. Allele origin: germline. Observed: 1 variant allele.
Comment: PM2

Ambry Genetics
Classification: Uncertain significance for Inborn genetic diseases. Last evaluated: 2022-12-02. Review status: criteria provided, single submitter. Criteria: Ambry Variant Classification Scheme 2023. Collection method: clinical testing. Allele origin: germline.